The following is an entry in ClinVar:

ClinVar aggregate classification (germline): Pathogenic. Review status: reviewed by expert panel (3 of 4 stars). 9 submissions from 9 submitters: Pathogenic (1). 8 of the submissions do not count toward it. Last evaluated 2026-03-24.

Conditions:
ABCA4-related retinopathy. Also called: ABCA4-related retinoapthy; ABCA4 retinoapthy. Identifiers: MedGen CN322612, MONDO:0800406.
ABCA4-related disorder. Also called: ABCA4-related condition; ABCA4-related disorders. Identifiers: MedGen CN239167.
Retinal dystrophy. Also called: Inherited retinal dystrophy. Identifiers: Orphanet 71862, MedGen C0854723, MeSH D058499, MONDO:0019118, HP:0000556.
Severe early-childhood-onset retinal dystrophy (STGD1). Also called: MACULAR DYSTROPHY WITH FLECKS, TYPE 1; STGD; Stargardt macular dystrophy; Juvenile onset macular degeneration; Stargardt disease 1. Identifiers: Orphanet 364055, Orphanet 827, MedGen C1855465, MeSH D000080362, MONDO:0009549, OMIM 248200.
Cone-rod dystrophy 3 (CORD3). Identifiers: Orphanet 1872, MedGen C1858806, MONDO:0011395, OMIM 604116.
Age related macular degeneration 2. Also called: MACULAR DEGENERATION, SENILE; MACULOPATHY, AGE-RELATED, 2; MACULOPATHY, AGE-RELATED. Identifiers: MedGen C3495438, MONDO:0007932, OMIM 153800.
Retinitis pigmentosa 19 (RP19). Also called: ABCA4-Related Retinitis Pigmentosa. Identifiers: Orphanet 791, MedGen C1866422, MONDO:0011137, OMIM 601718.
Stargardt disease (FFM). Also called: Fundus flavimaculatus; Stargardt's disease. Identifiers: Orphanet 827, MedGen C0271093, MONDO:0019353.

Allele frequency attached by ClinVar (database versions not stated): ExAC 0.00002; gnomAD exomes 0.00002; gnomAD 0.00003; TOPMed 0.00004.
gnomAD v4.1: 75 of 1,614,058 alleles (0.0046%); highest among the groups gnomAD compares: African/African-American, 0.0067%; no homozygotes.

Submissions (9):

ClinGen ABCA4 Variant Curation Expert Panel, Clingen
Classification: Pathogenic for ABCA4-related retinopathy. Last evaluated: 2026-03-24. Review status: reviewed by expert panel. Criteria: ClinGen ABCA4 ACMG Specifications V1.0.0. Collection method: curation. Allele origin: germline. Inheritance: Autosomal recessive inheritance.
Comment: The NM_000350.3(ABCA4):c.3323G>A variant in ABCA4 is a missense variant predicted to cause substitution of arginine by histidine at amino acid 1108; p.Arg1108His. The total minor allele frequency in gnomAD v4.1.0 is 0.0000465 (75/1614058 alleles), which is lower than the ClinGen ABCA4 VCEP’s threshold for PM2_Supporting (<0.0001). The computational predictor REVEL gives a score of 0.843 which is above the threshold of >0.772, evidence that predicts a damaging effect on ABCA4 function meeting PP3_Moderate. The prevalence of the variant in affected individuals is significantly increased compared with the prevalence in controls with an OR of 87.3 and CI of 26.27- 456.18, which is above the ABCA4 VCEP threshold of ≥5, where the CI does not contain 1 (PS4; PMID: 35120629). This variant has been detected in multiple individuals with ABCA4-related retinopathy. Of those individuals, three were compound heterozygous with a pathogenic or likely pathogenic variant but none were confirmed in trans (c.6416G>C;p.Arg2139Pro, [c.2588G>C;5603A>T]; [p.(Gly863Ala,Gly863del];(Asn1868Ile)] (1.5 PM3 points; PM3; PMID:37705246). Another missense variant, c.3322C>T;p.Arg1108Cys (ClinVarID: 92867), in the same codon has been classified as pathogenic for ABCA4-related retinopathy by the ClinGen ABCA4 VCEP, and Splice AI revealed no expected effects on splicing meeting PM5. In summary, this variant meets the criteria to be classified as pathogenic for ABCA4-related retinopathy based on the ACMG/AMP criteria applied, as specified by the ClinGen ABCA4 VCEP Specification Version 1.0.0: PM2_Supporting, PP3_Moderate, PM5, PS4, PM3.

PreventionGenetics, part of Exact Sciences
Classification: Pathogenic for ABCA4-related condition. Last evaluated: 2026-06-26. Review status: criteria provided, single submitter. Criteria: ACMG Guidelines, 2015. Collection method: clinical testing. Allele origin: germline. Not counted in ClinVar's aggregate classification.
Comment: The ABCA4 c.3323G>A variant is predicted to result in the amino acid substitution p.Arg1108His. This variant has been reported in the compound heterozygous and homozygous states in multiple individuals with retinal disease (see for examples: Webster et al. 2001. PubMed ID: 11328725; Table S1, Stone et al. 2017. PubMed ID: 28559085; Table S1, Lin et al. 2024. PubMed ID: 38219857). Alternate substitutions of this same amino acid (p.Arg1108Cys and p.Arg1108Leu) have also been reported in individuals with retinal disease (Briggs et al. 2001. PubMed ID: 11527935; Table S1, Stone et al. 2017. PubMed ID: 28559085) This variant is present in 0.0035% of alleles in individuals of European (Non-Finnish) descent in gnomAD. Given the evidence, we interpret this variant as pathogenic.

Labcorp Genetics (formerly Invitae), Labcorp
Classification: Pathogenic. Last evaluated: 2026-01-08. Review status: criteria provided, single submitter. Criteria: Invitae Variant Classification Sherloc (09022015). Collection method: clinical testing. Allele origin: germline. Not counted in ClinVar's aggregate classification.
Comment: This sequence change replaces arginine, which is basic and polar, with histidine, which is basic and polar, at codon 1108 of the ABCA4 protein (p.Arg1108His). This variant is present in population databases (rs61750121, gnomAD 0.004%). This missense change has been observed in individual(s) with Stargardt disease (PMID: 11328725, 28559085, 29925512). In at least one individual the data is consistent with being in trans (on the opposite chromosome) from a pathogenic variant. ClinVar contains an entry for this variant (Variation ID: 99219). Invitae Evidence Modeling of protein sequence and biophysical properties (such as structural, functional, and spatial information, amino acid conservation, physicochemical variation, residue mobility, and thermodynamic stability) indicates that this missense variant is expected to disrupt ABCA4 protein function with a positive predictive value of 95%. This variant disrupts the p.Arg1108 amino acid residue in ABCA4. Other variant(s) that disrupt this residue have been determined to be pathogenic (PMID: 16703556, 19074458, 26092729, 28559085). This suggests that this residue is clinically significant, and that variants that disrupt this residue are likely to be disease-causing. For these reasons, this variant has been classified as Pathogenic.

Blueprint Genetics
Classification: Pathogenic for ABCA4-related disorders. Last evaluated: 2024-09-02. Review status: criteria provided, single submitter. Criteria: ACMG Guidelines, 2015. Collection method: clinical testing. Allele origin: germline. Affected: yes. Observed: 5 variant alleles. Not counted in ClinVar's aggregate classification.

Women's Health and Genetics/Laboratory Corporation of America, LabCorp
Classification: Pathogenic for Stargardt disease. Last evaluated: 2024-07-15. Review status: criteria provided, single submitter. Criteria: LabCorp Variant Classification Summary - May 2015. Collection method: clinical testing. Allele origin: germline. Not counted in ClinVar's aggregate classification.
Comment: Variant summary: ABCA4 c.3323G>A (p.Arg1108His) results in a non-conservative amino acid change located in the ABC transporter-like, ATP-binding domain (IPR003439) of the encoded protein sequence. Five of five in-silico tools predict a damaging effect of the variant on protein function. The variant allele was found at a frequency of 1.6e-05 in 251338 control chromosomes (gnomAD). c.3323G>A has been reported in the literature in multiple individuals affected with Stargardt Disease (e.g. Riveiro-Alvarez_2013, Cornelis_2022). These data indicate that the variant is very likely to be associated with disease. The following publications have been ascertained in the context of this evaluation (PMID: 23755871, 35120629). ClinVar contains an entry for this variant (Variation ID: 99219). Based on the evidence outlined above, the variant was classified as pathogenic.

Genomic Medicine Center of Excellence, King Faisal Specialist Hospital and Research Centre
Classification: Pathogenic for Severe early-childhood-onset retinal dystrophy. Last evaluated: 2024-04-04. Review status: criteria provided, single submitter. Criteria: ACMG Guidelines, 2015. Collection method: clinical testing. Allele origin: germline. Not counted in ClinVar's aggregate classification.

Institute of Human Genetics, Univ. Regensburg, Univ. Regensburg
Classification: Likely pathogenic for Retinal dystrophy. Last evaluated: 2022-01-01. Review status: criteria provided, single submitter. Criteria: ACMG Guidelines, 2015. Collection method: clinical testing. Allele origin: germline. Affected: yes. Not counted in ClinVar's aggregate classification.

CeGaT Center for Human Genetics Tuebingen
Classification: Pathogenic. Last evaluated: 2020-05-01. Review status: criteria provided, single submitter. Criteria: CeGaT Center For Human Genetics Tuebingen Variant Classification Criteria Version 2. Collection method: clinical testing. Allele origin: germline. Affected: yes. Observed: 3 variant alleles. Not counted in ClinVar's aggregate classification.

Retina International
No classification provided. Review status: no classification provided. Collection method: not provided. Allele origin: not provided. Not counted in ClinVar's aggregate classification.

Literature cited by the submitters: PubMed 11328725 (cited by Labcorp Genetics (formerly Invitae), Labcorp and Institute of Human Genetics, Univ. Regensburg, Univ. Regensburg); PubMed 28559085 (cited by Labcorp Genetics (formerly Invitae), Labcorp and Institute of Human Genetics, Univ. Regensburg, Univ. Regensburg); PubMed 29925512 (cited by Labcorp Genetics (formerly Invitae), Labcorp and Institute of Human Genetics, Univ. Regensburg, Univ. Regensburg); PubMed 16703556 (cited by Labcorp Genetics (formerly Invitae), Labcorp); PubMed 19074458 (cited by Labcorp Genetics (formerly Invitae), Labcorp); PubMed 26092729 (cited by Labcorp Genetics (formerly Invitae), Labcorp); PubMed 23755871 (cited by Women's Health and Genetics/Laboratory Corporation of America, LabCorp); PubMed 35120629 (cited by Women's Health and Genetics/Laboratory Corporation of America, LabCorp); PubMed 32467599 (cited by Institute of Human Genetics, Univ. Regensburg, Univ. Regensburg); PubMed 31964843 (cited by Institute of Human Genetics, Univ. Regensburg, Univ. Regensburg); PubMed 31934596 (cited by Institute of Human Genetics, Univ. Regensburg, Univ. Regensburg); PubMed 35119454 (cited by Institute of Human Genetics, Univ. Regensburg, Univ. Regensburg); PubMed 36460718 (cited by Institute of Human Genetics, Univ. Regensburg, Univ. Regensburg).

NM_000350.3(ABCA4):c.3323G>A (p.Arg1108His)

Gene: ABCA4 (ATP binding cassette subfamily A member 4; minus strand). Cytogenetic location: 1p22.1.
Variant type: single nucleotide variant.
Coding change: c.3323G>A on transcript NM_000350.3 (MANE Select); coding-DNA position 3323, G replaced by A.
Protein change: p.Arg1108His; replaces arginine 1108 with histidine.
Molecular consequence: missense variant.
Genome position (GRCh38, 1-based): chr1:94,042,766, C>T on the plus strand (G>A on the coding strand, the complement: ABCA4 is on the minus strand). VCF-style: chr1-94042766-C-T. GRCh37 (hg19) VCF-style: chr1-94508322-C-T.
Other names: NM_000350.3(ABCA4):c.3323G>A; c.3101G>A, p.Arg1034His (NM_001425324.1); short protein forms R1108H, R1034H.
Identifiers: ClinVar variation 99219 (VCV000099219.56), dbSNP rs61750121, ClinGen allele CA227109.